The following is an entry in ClinVar:

ClinVar aggregate classification (germline): Uncertain significance (1 of 4 stars; one submission).

Submission:

Institute for Human Genetics, University Hospital Essen
Classification: Uncertain significance. Last evaluated: 2025-11-27. Review status: criteria provided, single submitter. Criteria: Submitter's publication. Collection method: clinical testing. Allele origin: inherited. Inheritance: Autosomal unknown. Affected: yes. Observed: 1 variant allele, 1 compound heterozygote.
Comment: PM1_supp, PM2_supp (criteria rationale detailed in Leitão et al. Nature Genetics 2026)

NR_199791.1(RNU2-2):n.64_72dup

Genes: RNU2-2 (RNA, U2 small nuclear 2; minus strand), WDR74 (WD repeat domain 74; minus strand). Cytogenetic location: 11q12.3.
Variant type: Duplication.
Molecular consequence: non-coding transcript variant (on NR_199791.1). On other transcripts: 5 prime UTR variant (1).
Genome position: GRCh38 VCF-style: chr11-62841737-G-GAGGACGTAT. GRCh37 (hg19) VCF-style: chr11-62609209-G-GAGGACGTAT.
Other names: c.-475_-467dup (NM_001369451.1).
Identifiers: ClinVar variation 4540491 (VCV004540491.1).